The following is an entry in ClinVar:

NM_001042492.3(NF1):c.5954A>T (p.Glu1985Val)

Gene: NF1 (neurofibromin 1; plus strand). Cytogenetic location: 17q11.2.
Variant type: single nucleotide variant.
Coding change: c.5954A>T on transcript NM_001042492.3 (MANE Select); coding-DNA position 5954, A replaced by T.
Protein change: p.Glu1985Val; replaces glutamic acid 1985 with valine.
Molecular consequence: missense variant.
Genome position (GRCh38, 1-based): chr17:31,334,979, A>T. VCF-style: chr17-31334979-A-T. GRCh37 (hg19) VCF-style: chr17-29661997-A-T.
Other names: c.5891A>T, p.Glu1964Val (NM_000267.4); short protein forms E1985V, E1964V.
Identifiers: ClinVar variation 2100924 (VCV002100924.4), dbSNP rs2151550633, ClinGen allele CA399010861.

ClinVar aggregate classification (germline): Uncertain significance (1 of 4 stars; one submission).

Conditions:
Neurofibromatosis, type 1 (NF1). Also called: Peripheral type neurofibromatosis; NEUROFIBROMATOSIS, TYPE I, SOMATIC; VON RECKLINGHAUSEN DISEASE; Neurofibromatosis, type I. Identifiers: Orphanet 636, MedGen C0027831, MONDO:0018975, OMIM 162200. Disease mechanism: loss of function.

Submission:

Labcorp Genetics (formerly Invitae), Labcorp
Classification: Uncertain significance for Neurofibromatosis, type 1. Last evaluated: 2022-02-21. Review status: criteria provided, single submitter. Criteria: Invitae Variant Classification Sherloc (09022015). Collection method: clinical testing. Allele origin: germline.
Comment: Advanced modeling of protein sequence and biophysical properties (such as structural, functional, and spatial information, amino acid conservation, physicochemical variation, residue mobility, and thermodynamic stability) performed at Invitae indicates that this missense variant is expected to disrupt NF1 protein function. This variant has not been reported in the literature in individuals affected with NF1-related conditions. This variant is not present in population databases (gnomAD no frequency). This sequence change replaces glutamic acid, which is acidic and polar, with valine, which is neutral and non-polar, at codon 1964 of the NF1 protein (p.Glu1964Val). In summary, the available evidence is currently insufficient to determine the role of this variant in disease. Therefore, it has been classified as a Variant of Uncertain Significance.